The following is an entry in ClinVar:

NM_032043.3(BRIP1):c.3448G>T (p.Ala1150Ser)

Gene: BRIP1 (BRCA1 interacting DNA helicase 1; minus strand). Cytogenetic location: 17q23.2.
Variant type: single nucleotide variant.
Coding change: c.3448G>T on transcript NM_032043.3 (MANE Select); coding-DNA position 3448, G replaced by T.
Protein change: p.Ala1150Ser; replaces alanine 1150 with serine.
Molecular consequence: missense variant.
Genome position (GRCh38, 1-based): chr17:61,683,598, C>A on the plus strand (G>T on the coding strand, the complement: BRIP1 is on the minus strand). VCF-style: chr17-61683598-C-A. GRCh37 (hg19) VCF-style: chr17-59760959-C-A.
Other names: short protein forms A1150S.
Identifiers: ClinVar variation 1731524 (VCV001731524.2), dbSNP rs757363615, ClinGen allele CA400478703.

ClinVar aggregate classification (germline): Uncertain significance (1 of 4 stars; one submission).

Conditions:
Hereditary cancer-predisposing syndrome. Also called: Neoplastic Syndromes, Hereditary; Tumor predisposition; Hereditary Cancer Syndrome; Hereditary neoplastic syndrome. Identifiers: Orphanet 140162, MedGen C0027672, MeSH D009386, MONDO:0015356.

Submission:

Ambry Genetics
Classification: Uncertain significance for Hereditary cancer-predisposing syndrome. Last evaluated: 2022-09-24. Review status: criteria provided, single submitter. Criteria: Ambry Variant Classification Scheme 2023. Collection method: clinical testing. Allele origin: germline.
Comment: The p.A1150S variant (also known as c.3448G>T), located in coding exon 19 of the BRIP1 gene, results from a G to T substitution at nucleotide position 3448. The alanine at codon 1150 is replaced by serine, an amino acid with similar properties. This amino acid position is conserved. In addition, this alteration is predicted to be tolerated by in silico analysis. Since supporting evidence is limited at this time, the clinical significance of this alteration remains unclear.